The following is an entry in ClinVar:

ClinVar aggregate classification (germline): Likely pathogenic. Review status: criteria provided, single submitter (1 of 4 stars). 4 submissions from 3 submitters: Likely pathogenic (1). 3 of the submissions do not count toward it.

Conditions:
Neurodevelopmental disorder with brain anomalies and with or without vertebral or cardiac anomalies. Identifiers: MedGen C5231481, MONDO:0032888, OMIM 618731.
Intellectual disability. Also called: Intellectual functioning disability; intellectual disabilities; Intellectual developmental disorder. Identifiers: MedGen C3714756, MeSH D008607, MONDO:0001071, HP:0001249.
Neurodevelopmental delay. Identifiers: MedGen C4022738, HP:0012758.
Neurodevelopmental disorders.
Abnormal brain morphology. Also called: Abnormality of brain morphology. Identifiers: MedGen C4021085, HP:0012443.

Submissions (4):

Lupski Lab, Baylor-Hopkins CMG, Baylor College of Medicine
Classification: Likely pathogenic for Abnormal brain morphology. Review status: criteria provided, single submitter. Criteria: Karaca et al. (Neuron 2015). Collection method: research. Allele origin: inherited. Inheritance: Autosomal recessive inheritance. Affected: yes.
Comment: There is one more families with similar phenotype

OMIM
Classification: Pathogenic for NEURODEVELOPMENTAL DISORDER WITH BRAIN ANOMALIES. Last evaluated: 2020-04-20. Review status: no assertion criteria provided. Collection method: literature only. Allele origin: germline. Not counted in ClinVar's aggregate classification.

Lupski Lab, Baylor-Hopkins CMG, Baylor College of Medicine
Classification: Likely pathogenic for Neurodevelopmental delay; Intellectual disability. Last evaluated: 2019-05-30. Review status: no assertion criteria provided. Collection method: research. Allele origin: inherited. Affected: yes. Not counted in ClinVar's aggregate classification.

University of Washington Center for Mendelian Genomics, University of Washington
Classification: Likely pathogenic for Neurodevelopmental disorders. Review status: no assertion criteria provided. Collection method: research. Allele origin: inherited. Affected: yes. Not counted in ClinVar's aggregate classification.

Literature cited by the submitters: PubMed 26539891 (cited by OMIM); Paine, I. Personal Communication. 2020. Houston, Tx. (cited by OMIM); Hamosh, A. Personal Communication. 2019. Baltimore, Md. (cited by OMIM); PubMed 31256877 (cited by University of Washington Center for Mendelian Genomics, University of Washington).

NM_032656.4(DHX37):c.1257C>A (p.Asn419Lys)

Gene: DHX37 (DEAH-box helicase 37; minus strand). Cytogenetic location: 12q24.31.
Variant type: single nucleotide variant.
Coding change: c.1257C>A on transcript NM_032656.4 (MANE Select); coding-DNA position 1257, C replaced by A.
Protein change: p.Asn419Lys; replaces asparagine 419 with lysine.
Molecular consequence: missense variant.
Genome position (GRCh38, 1-based): chr12:124,968,903, G>T on the plus strand (C>A on the coding strand, the complement: DHX37 is on the minus strand). VCF-style: chr12-124968903-G-T. GRCh37 (hg19) VCF-style: chr12-125453449-G-T.
Other names: short protein forms N419K.
Identifiers: ClinVar variation 402139 (VCV000402139.6), dbSNP rs1060499737, ClinGen allele CA16609526.